The following is an entry in ClinVar:

ClinVar aggregate classification (germline): Conflicting classifications of pathogenicity. Review status: criteria provided, conflicting classifications (1 of 4 stars). 5 submissions from 5 submitters: Uncertain significance (2); Likely benign (2). 1 of the submissions does not count toward it. Last evaluated 2025-12-30.

Conditions:
Inborn genetic diseases. Identifiers: MedGen C0950123, MeSH D030342.
BRAT1-related disorder. Also called: BRAT1-related disorders; BRAT1-related condition.
Neonatal-onset encephalopathy with rigidity and seizures. Also called: Lethal neonatal spasticity-epileptic encephalopathy syndrome. Identifiers: Orphanet 435845, MedGen C3281029, MONDO:0013784, OMIM 614498.

Allele frequency attached by ClinVar (database versions not stated): ESP Exome Variant Server 0.00054; 1000 Genomes Project 0.00040; 1000 Genomes Project 30x 0.00047; ExAC 0.00053; TOPMed 0.00054; gnomAD 0.00083.
gnomAD v4.1: 156 of 1,581,582 alleles (0.0099%); highest among the groups gnomAD compares: African/African-American, 0.19%; no homozygotes.

Submissions (5):

Labcorp Genetics (formerly Invitae), Labcorp
Classification: Likely benign for Neonatal-onset encephalopathy with rigidity and seizures. Last evaluated: 2025-12-30. Review status: criteria provided, single submitter. Criteria: Invitae Variant Classification Sherloc (09022015). Collection method: clinical testing. Allele origin: germline.

CeGaT Center for Human Genetics Tuebingen
Classification: Uncertain significance. Last evaluated: 2024-11-01. Review status: criteria provided, single submitter. Criteria: CeGaT Center For Human Genetics Tuebingen Variant Classification Criteria Version 2. Collection method: clinical testing. Allele origin: germline. Affected: yes. Observed: 1 variant allele.
Comment: BRAT1: PM5

GeneDx
Classification: Uncertain significance. Last evaluated: 2024-06-07. Review status: criteria provided, single submitter. Criteria: GeneDx Variant Classification Process June 2021. Collection method: clinical testing. Allele origin: germline. Affected: yes.
Comment: In silico analysis supports that this missense variant has a deleterious effect on protein structure/function; Has not been previously published as pathogenic or benign to our knowledge; This variant is associated with the following publications: (PMID: 26947546, 32211283)

Ambry Genetics
Classification: Likely benign for Inborn genetic diseases. Last evaluated: 2024-05-08. Review status: criteria provided, single submitter. Criteria: Ambry Variant Classification Scheme 2023. Collection method: clinical testing. Allele origin: germline.

PreventionGenetics, part of Exact Sciences
Classification: Likely benign for BRAT1-related condition. Last evaluated: 2023-02-07. Review status: no assertion criteria provided. Collection method: clinical testing. Allele origin: germline. Not counted in ClinVar's aggregate classification.
Comment: This variant is classified as likely benign based on ACMG/AMP sequence variant interpretation guidelines (Richards et al. 2015 PMID: 25741868, with internal and published modifications).

NM_152743.4(BRAT1):c.1564G>C (p.Glu522Gln)

Gene: BRAT1 (BRCA1 associated ATM activator 1; minus strand). Cytogenetic location: 7p22.3.
Variant type: single nucleotide variant.
Coding change: c.1564G>C on transcript NM_152743.4 (MANE Select); coding-DNA position 1564, G replaced by C.
Protein change: p.Glu522Gln; replaces glutamic acid 522 with glutamine.
Molecular consequence: missense variant. On other transcripts: non-coding transcript variant (1).
Genome position (GRCh38, 1-based): chr7:2,539,577, C>G on the plus strand (G>C on the coding strand, the complement: BRAT1 is on the minus strand). VCF-style: chr7-2539577-C-G. GRCh37 (hg19) VCF-style: chr7-2579211-C-G.
Other names: c.1564G>C, p.Glu522Gln (NM_001350626.2); c.1039G>C, p.Glu347Gln (NM_001350627.2); short protein forms E522Q, E347Q.
Identifiers: ClinVar variation 540190 (VCV000540190.31), dbSNP rs145509776, ClinGen allele CA4127691.